The following is an entry in ClinVar:

NM_001042492.3(NF1):c.2001+5G>T

Gene: NF1 (neurofibromin 1; plus strand). Cytogenetic location: 17q11.2.
Variant type: single nucleotide variant.
Coding change: c.2001+5G>T on transcript NM_001042492.3 (MANE Select); 5 bases into the intron after coding-DNA position 2001, G replaced by T.
Molecular consequence: intron variant.
Genome position (GRCh38, 1-based): chr17:31,225,255, G>T. VCF-style: chr17-31225255-G-T. GRCh37 (hg19) VCF-style: chr17-29552273-G-T.
Other names: c.2001+5G>T (NM_000267.4).
Identifiers: ClinVar variation 1524568 (VCV001524568.7), dbSNP rs2144028091, ClinGen allele CA2573153243.

ClinVar aggregate classification (germline): Uncertain significance. Review status: criteria provided, multiple submitters, no conflicts (2 of 4 stars). 2 submissions from 2 submitters: Uncertain significance (2). Last evaluated 2023-06-07.

Conditions:
Neurofibromatosis, type 1 (NF1). Also called: VON RECKLINGHAUSEN DISEASE; Neurofibromatosis, type I; Peripheral type neurofibromatosis; NEUROFIBROMATOSIS, TYPE I, SOMATIC. Identifiers: Orphanet 636, MedGen C0027831, MONDO:0018975, OMIM 162200. Disease mechanism: loss of function.
Juvenile myelomonocytic leukemia (JMML). Also called: LEUKEMIA, JUVENILE MYELOMONOCYTIC, SOMATIC. Identifiers: Orphanet 86834, MedGen C0349639, MONDO:0011908, OMIM 607785, HP:0012209.

Submissions (2):

Baylor Genetics
Classification: Uncertain significance for Juvenile myelomonocytic leukemia. Last evaluated: 2023-06-07. Review status: criteria provided, single submitter. Criteria: ACMG Guidelines, 2015. Collection method: clinical testing. Allele origin: unknown.

Labcorp Genetics (formerly Invitae), Labcorp
Classification: Uncertain significance for Neurofibromatosis, type 1. Last evaluated: 2022-07-29. Review status: criteria provided, single submitter. Criteria: Invitae Variant Classification Sherloc (09022015). Collection method: clinical testing. Allele origin: germline.
Comment: In summary, the available evidence is currently insufficient to determine the role of this variant in disease. Therefore, it has been classified as a Variant of Uncertain Significance. Variants that disrupt the consensus splice site are a relatively common cause of aberrant splicing (PMID: 17576681, 9536098). Studies have shown that this variant is associated with altered splicing resulting in unknown protein product impact (Invitae). ClinVar contains an entry for this variant (Variation ID: 1524568). This variant has not been reported in the literature in individuals affected with NF1-related conditions. This variant is not present in population databases (gnomAD no frequency). This sequence change falls in intron 17 of the NF1 gene. It does not directly change the encoded amino acid sequence of the NF1 protein. It affects a nucleotide within the consensus splice site.

Literature cited by the submitters: PubMed 17576681 (cited by Labcorp Genetics (formerly Invitae), Labcorp); PubMed 9536098 (cited by Labcorp Genetics (formerly Invitae), Labcorp).